The following is an entry in ClinVar:

ClinVar aggregate classification (germline): Benign/Likely benign. Review status: criteria provided, multiple submitters, no conflicts (2 of 4 stars). 5 submissions from 5 submitters: Benign (1); Likely benign (4). Last evaluated 2025-12-12.

Conditions:
Hereditary cancer-predisposing syndrome. Also called: Tumor predisposition; Neoplastic Syndromes, Hereditary; Hereditary neoplastic syndrome; Hereditary Cancer Syndrome. Identifiers: Orphanet 140162, MedGen C0027672, MeSH D009386, MONDO:0015356.
Familial cancer of breast. Also called: Hereditary breast cancer; hereditary breast carcinoma; BREAST CANCER, FAMILIAL. Identifiers: Orphanet 227535, MedGen C0346153, MONDO:0016419, OMIM 114480. Disease mechanism: loss of function.

Allele frequency attached by ClinVar (database versions not stated): gnomAD exomes below 0.00001; TOPMed below 0.00001; gnomAD 0.00001.
gnomAD v4.1: 2 of 1,613,866 alleles (0.00012%); highest among the groups gnomAD compares: African/African-American, 0.0027%; no homozygotes.

Submissions (5):

Labcorp Genetics (formerly Invitae), Labcorp
Classification: Likely benign for Familial cancer of breast. Last evaluated: 2025-12-12. Review status: criteria provided, single submitter. Criteria: Invitae Variant Classification Sherloc (09022015). Collection method: clinical testing. Allele origin: germline.

Myriad Genetics, Inc.
Classification: Benign for Familial cancer of breast. Last evaluated: 2024-07-25. Review status: criteria provided, single submitter. Criteria: Myriad Autosomal Dominant, Autosomal Recessive and X-Linked Classification Criteria (2023). Collection method: clinical testing. Allele origin: unknown.
Comment: This variant is considered benign. This variant is a silent/synonymous amino acid change and it is not expected to impact splicing.

Women's Health and Genetics/Laboratory Corporation of America, LabCorp
Classification: Likely benign. Last evaluated: 2019-08-21. Review status: criteria provided, single submitter. Criteria: LabCorp Variant Classification Summary - May 2015. Collection method: clinical testing. Allele origin: germline.

Ambry Genetics
Classification: Likely benign for Hereditary cancer-predisposing syndrome. Last evaluated: 2019-02-13. Review status: criteria provided, single submitter. Criteria: Ambry Variant Classification Scheme 2023. Collection method: clinical testing. Allele origin: germline.

Color Diagnostics, LLC DBA Color Health
Classification: Likely benign for Hereditary cancer-predisposing syndrome. Last evaluated: 2018-11-27. Review status: criteria provided, single submitter. Criteria: ACMG Guidelines, 2015. Collection method: clinical testing. Allele origin: germline.

NM_000465.4(BARD1):c.1443C>T (p.Leu481=)

Gene: BARD1 (BRCA1 associated RING domain 1; minus strand). Cytogenetic location: 2q35.
Variant type: single nucleotide variant.
Coding change: c.1443C>T on transcript NM_000465.4 (MANE Select); coding-DNA position 1443, C replaced by T.
Protein change: p.Leu481=; no amino-acid change (leucine 481 retained).
Molecular consequence: synonymous variant. On other transcripts: non-coding transcript variant (3), intron variant (3).
Genome position (GRCh38, 1-based): chr2:214,767,607, G>A on the plus strand (C>T on the coding strand, the complement: BARD1 is on the minus strand). VCF-style: chr2-214767607-G-A. GRCh37 (hg19) VCF-style: chr2-215632331-G-A.
Other names: c.1386C>T, p.Leu462= (NM_001282543.2); c.159-15052C>T (NM_001282548.2); c.216-15052C>T (NM_001282545.2); c.364+24690C>T (NM_001282549.2).
Identifiers: ClinVar variation 495874 (VCV000495874.20), dbSNP rs1286691671, ClinGen allele CA431129657.